The following is an entry in ClinVar:

NM_006302.3(MOGS):c.2338G>A (p.Ala780Thr)

Gene: MOGS (mannosyl-oligosaccharide glucosidase; minus strand). Cytogenetic location: 2p13.1.
Variant type: single nucleotide variant.
Coding change: c.2338G>A on transcript NM_006302.3 (MANE Select); coding-DNA position 2338, G replaced by A.
Protein change: p.Ala780Thr; replaces alanine 780 with threonine.
Molecular consequence: missense variant.
Genome position (GRCh38, 1-based): chr2:74,461,451, C>T on the plus strand (G>A on the coding strand, the complement: MOGS is on the minus strand). VCF-style: chr2-74461451-C-T. GRCh37 (hg19) VCF-style: chr2-74688578-C-T.
Other names: c.2020G>A, p.Ala674Thr (NM_001146158.2); short protein forms A674T, A780T.
Identifiers: ClinVar variation 2577770 (VCV002577770.2), dbSNP rs764633080, ClinGen allele CA1724608.

ClinVar aggregate classification (germline): Uncertain significance. Review status: criteria provided, multiple submitters, no conflicts (2 of 4 stars). 2 submissions from 2 submitters: Uncertain significance (2). Last evaluated 2025-04-07.

Conditions:
Inborn genetic diseases. Identifiers: MedGen C0950123, MeSH D030342.

Allele frequency attached by ClinVar (database versions not stated): gnomAD exomes below 0.00001; ExAC 0.00002; TOPMed 0.00004; gnomAD 0.00005.
gnomAD v4.1: 13 of 1,614,098 alleles (0.00081%); highest among the groups gnomAD compares: African/African-American, 0.013%; no homozygotes.

Submissions (2):

Ambry Genetics
Classification: Uncertain significance for Inborn genetic diseases. Last evaluated: 2025-04-07. Review status: criteria provided, single submitter. Criteria: Ambry Variant Classification Scheme 2023. Collection method: clinical testing. Allele origin: germline.

GeneDx
Classification: Uncertain significance. Last evaluated: 2023-02-23. Review status: criteria provided, single submitter. Criteria: GeneDx Variant Classification Process June 2021. Collection method: clinical testing. Allele origin: germline. Affected: yes.
Comment: Not observed at significant frequency in large population cohorts (gnomAD); In silico analysis supports that this missense variant has a deleterious effect on protein structure/function; Has not been previously published as pathogenic or benign to our knowledge